The following is an entry in ClinVar:

NM_022166.4(XYLT1):c.617A>G (p.His206Arg)

Gene: XYLT1 (xylosyltransferase 1; minus strand). Cytogenetic location: 16p12.3.
Variant type: single nucleotide variant.
Coding change: c.617A>G on transcript NM_022166.4 (MANE Select); coding-DNA position 617, A replaced by G.
Protein change: p.His206Arg; replaces histidine 206 with arginine.
Molecular consequence: missense variant.
Genome position (GRCh38, 1-based): chr16:17,259,284, T>C on the plus strand (A>G on the coding strand, the complement: XYLT1 is on the minus strand). VCF-style: chr16-17259284-T-C. GRCh37 (hg19) VCF-style: chr16-17353141-T-C.
Other names: c.617A>G (NM_022166.3); short protein forms H206R.
Identifiers: ClinVar variation 1501108 (VCV001501108.7), dbSNP rs1422772803, ClinGen allele CA394892637.

ClinVar aggregate classification (germline): Uncertain significance. Review status: criteria provided, multiple submitters, no conflicts (2 of 4 stars). 2 submissions from 2 submitters: Uncertain significance (2). Last evaluated 2022-12-14.

Conditions:
Inborn genetic diseases. Identifiers: MedGen C0950123, MeSH D030342.
Desbuquois dysplasia 1 (DBQD1). Also called: MICROMELIC DWARFISM WITH VERTEBRAL AND METAPHYSEAL ABNORMALITIES AND ADVANCED CARPOTARSAL OSSIFICATION; DESBUQUOIS DYSPLASIA 1, KIM VARIANT. Identifiers: Orphanet 1425, MedGen C4012146, MONDO:0009629, OMIM 251450.

Allele frequency attached by ClinVar (database versions not stated): gnomAD exomes below 0.00001 and 0.00001; gnomAD 0.00001; TOPMed 0.00001.
gnomAD v4.1: 15 of 1,614,034 alleles (0.00093%); highest among the groups gnomAD compares: Admixed American, 0.0017%; no homozygotes.

Submissions (2):

Ambry Genetics
Classification: Uncertain significance for Inborn genetic diseases. Last evaluated: 2022-12-14. Review status: criteria provided, single submitter. Criteria: Ambry Variant Classification Scheme 2023. Collection method: clinical testing. Allele origin: germline.

Labcorp Genetics (formerly Invitae), Labcorp
Classification: Uncertain significance for Desbuquois dysplasia 1. Last evaluated: 2022-11-22. Review status: criteria provided, single submitter. Criteria: Invitae Variant Classification Sherloc (09022015). Collection method: clinical testing. Allele origin: germline.
Comment: This sequence change replaces histidine, which is basic and polar, with arginine, which is basic and polar, at codon 206 of the XYLT1 protein (p.His206Arg). In summary, the available evidence is currently insufficient to determine the role of this variant in disease. Therefore, it has been classified as a Variant of Uncertain Significance. Algorithms developed to predict the effect of missense changes on protein structure and function output the following: SIFT: "Tolerated"; PolyPhen-2: "Benign"; Align-GVGD: "Class C0". The arginine amino acid residue is found in multiple mammalian species, which suggests that this missense change does not adversely affect protein function. ClinVar contains an entry for this variant (Variation ID: 1501108). This variant has not been reported in the literature in individuals affected with XYLT1-related conditions. This variant is present in population databases (no rsID available, gnomAD 0.004%).